The following is an entry in ClinVar:

ClinVar aggregate classification (germline): Uncertain significance (1 of 4 stars; one submission).

Allele frequency attached by ClinVar (database versions not stated): gnomAD exomes below 0.00001; TOPMed 0.00001.
gnomAD v4.1: 5 of 1,612,224 alleles (0.00031%); highest among the groups gnomAD compares: Non-Finnish European, 0.00042%; no homozygotes.

Submission:

Labcorp Genetics (formerly Invitae), Labcorp
Classification: Uncertain significance. Last evaluated: 2025-08-16. Review status: criteria provided, single submitter. Criteria: Invitae Variant Classification Sherloc (09022015). Collection method: clinical testing. Allele origin: germline.
Comment: This sequence change replaces arginine, which is basic and polar, with cysteine, which is neutral and slightly polar, at codon 452 of the AP3D1 protein (p.Arg452Cys). This variant is present in population databases (no rsID available, gnomAD 0.002%). This variant has not been reported in the literature in individuals affected with AP3D1-related conditions. ClinVar contains an entry for this variant (Variation ID: 1937425). An algorithm developed to predict the effect of missense changes on protein structure and function (PolyPhen-2) suggests that this variant is likely to be disruptive. In summary, the available evidence is currently insufficient to determine the role of this variant in disease. Therefore, it has been classified as a Variant of Uncertain Significance.

NM_001261826.3(AP3D1):c.1354C>T (p.Arg452Cys)

Gene: AP3D1 (adaptor related protein complex 3 subunit delta 1; minus strand). Cytogenetic location: 19p13.3.
Variant type: single nucleotide variant.
Coding change: c.1354C>T on transcript NM_001261826.3 (MANE Select); coding-DNA position 1354, C replaced by T.
Protein change: p.Arg452Cys; replaces arginine 452 with cysteine.
Molecular consequence: missense variant.
Genome position (GRCh38, 1-based): chr19:2,120,989, G>A on the plus strand (C>T on the coding strand, the complement: AP3D1 is on the minus strand). VCF-style: chr19-2120989-G-A. GRCh37 (hg19) VCF-style: chr19-2120988-G-A.
Other names: c.1354C>T, p.Arg452Cys (NM_001374799.1, NM_003938.8); short protein forms R452C.
Identifiers: ClinVar variation 1937425 (VCV001937425.5), dbSNP rs1189849965, ClinGen allele CA403223272.